The following is an entry in ClinVar:

ClinVar aggregate classification (germline): Likely benign (1 of 4 stars; one submission).

Allele frequency attached by ClinVar (database versions not stated): TOPMed 0.00001; gnomAD 0.00003; gnomAD exomes 0.00009; 1000 Genomes Project 30x 0.00016; 1000 Genomes Project 0.00020; ExAC 0.00025.
gnomAD v4.1: 127 of 1,612,512 alleles (0.0079%); highest among the groups gnomAD compares: South Asian, 0.14%; 4 homozygotes.

Submission:

CeGaT Center for Human Genetics Tuebingen
Classification: Likely benign. Last evaluated: 2023-03-01. Review status: criteria provided, single submitter. Criteria: CeGaT Center For Human Genetics Tuebingen Variant Classification Criteria Version 2. Collection method: clinical testing. Allele origin: germline. Affected: yes. Observed: 1 variant allele.
Comment: INCA1: BP4, BS2

NM_001394789.1(INCA1):c.45-3C>T

Gene: INCA1 (inhibitor of CDK, cyclin A1 interacting protein 1; minus strand). Cytogenetic location: 17p13.2.
Variant type: single nucleotide variant.
Coding change: c.45-3C>T on transcript NM_001394789.1 (MANE Select); 3 bases into the intron before coding-DNA position 45, C replaced by T.
Molecular consequence: intron variant.
Genome position (GRCh38, 1-based): chr17:4,990,268, G>A on the plus strand (C>T on the coding strand, the complement: INCA1 is on the minus strand). VCF-style: chr17-4990268-G-A. GRCh37 (hg19) VCF-style: chr17-4893563-G-A.
Other names: c.45-3C>T (NM_001394791.1, NM_001394790.1, NM_001394788.1 and 4 more transcripts).
Identifiers: ClinVar variation 2647280 (VCV002647280.24), dbSNP rs565995698, ClinGen allele CA8318360.
Genomic context (GRCh38, chr17:4,990,268, plus strand): 5'-TCTGAGGCTCTGGGAAGGCAACCTTGGGGGTGGAGATCGGCTGACCACCCTGGAACACCT[G>A]AGGTGAGGACAAGGTAGGCTCGGGTCTGGCTCTTCCCTTACAGCAGTCTACTCATCCCAA-3'